The following is an entry in ClinVar:

ClinVar aggregate classification (germline): Conflicting classifications of pathogenicity. Review status: criteria provided, conflicting classifications (1 of 4 stars). 7 submissions from 7 submitters: Uncertain significance (4); Likely benign (2). 1 of the submissions does not count toward it. Last evaluated 2026-04-03.

Conditions:
HSPG2-related disorder. Also called: HSPG2-related condition; HSPG2-related disorders.

Allele frequency attached by ClinVar (database versions not stated): gnomAD exomes 0.00009 and 0.00022; 1000 Genomes Project 0.00040; 1000 Genomes Project 30x 0.00047; ExAC 0.00053; gnomAD 0.00081 and 0.00088; TOPMed 0.00091; ESP Exome Variant Server 0.00131.
gnomAD v4.1: 254 of 1,585,442 alleles (0.016%); highest among the groups gnomAD compares: African/African-American, 0.28%; no homozygotes.

Submissions (7):

GeneDx
Classification: Uncertain significance. Last evaluated: 2026-04-03. Review status: criteria provided, single submitter. Criteria: GeneDx Variant Classification Process June 2021. Collection method: clinical testing. Allele origin: germline.
Comment: In silico analysis supports that this missense variant has a deleterious effect on protein structure/function; Has not been previously published as pathogenic or benign to our knowledge

Labcorp Genetics (formerly Invitae), Labcorp
Classification: Likely benign. Last evaluated: 2025-11-15. Review status: criteria provided, single submitter. Criteria: Invitae Variant Classification Sherloc (09022015). Collection method: clinical testing. Allele origin: germline.

Women's Health and Genetics/Laboratory Corporation of America, LabCorp
Classification: Likely benign. Last evaluated: 2025-05-13. Review status: criteria provided, single submitter. Criteria: LabCorp Variant Classification Summary - May 2015. Collection method: clinical testing. Allele origin: germline.
Comment: Variant summary: HSPG2 c.12580G>A (p.Gly4194Arg) results in a non-conservative amino acid change in the encoded protein sequence. Algorithms developed to predict the effect of missense changes on protein structure and function are either unavailable or do not agree on the potential impact of this missense change. The variant allele was found at a frequency of 0.00022 in 206716 control chromosomes, predominantly at a frequency of 0.003 within the African or African-American subpopulation in the gnomAD database. The observed variant frequency within African or African-American control individuals in the gnomAD database exceeds the estimated maximal expected allele frequency for a pathogenic variant in HSPG2 causing Schwartz Jampel Syndrome Type 1 phenotype. To our knowledge, no occurrence of c.12580G>A in individuals affected with Schwartz Jampel Syndrome Type 1 and no experimental evidence demonstrating its impact on protein function have been reported. ClinVar contains an entry for this variant (Variation ID: 716798). Based on the evidence outlined above, the variant was classified as likely benign.

ARUP Laboratories, Molecular Genetics and Genomics, ARUP Laboratories
Classification: Uncertain significance. Last evaluated: 2024-01-26. Review status: criteria provided, single submitter. Criteria: ARUP Molecular Germline Variant Investigation Process 2024. Collection method: clinical testing. Allele origin: germline.
Comment: The HSPG2 c.12580G>A; p.Gly4194Arg variant (rs144496753), to our knowledge, is not reported in the medical literature but is reported in ClinVar (Variation ID: 716798). This variant is observed in the general population with an overall allele frequency of 0.03% (72/238098 alleles) in the Genome Aggregation Database (v2.1.1). Computational analyses are uncertain whether this variant is neutral or deleterious (REVEL: 0.382). Due to limited information, the clinical significance of this variant is uncertain at this time.

Blueprint Genetics
Classification: Uncertain significance. Last evaluated: 2022-11-02. Review status: criteria provided, single submitter. Criteria: ACMG Guidelines, 2015. Collection method: clinical testing. Allele origin: germline.

Revvity Omics, Revvity
Classification: Uncertain significance. Last evaluated: 2019-06-26. Review status: criteria provided, single submitter. Criteria: ACMG Guidelines, 2015. Collection method: clinical testing. Allele origin: germline.

PreventionGenetics, part of Exact Sciences
Classification: Likely benign for HSPG2-related condition. Last evaluated: 2024-06-14. Review status: no assertion criteria provided. Collection method: clinical testing. Allele origin: germline. Not counted in ClinVar's aggregate classification.
Comment: This variant is classified as likely benign based on ACMG/AMP sequence variant interpretation guidelines (Richards et al. 2015 PMID: 25741868, with internal and published modifications).

NM_005529.7(HSPG2):c.12580G>A (p.Gly4194Arg)

Gene: HSPG2 (heparan sulfate proteoglycan 2; minus strand). Cytogenetic location: 1p36.12.
Variant type: single nucleotide variant.
Coding change: c.12580G>A on transcript NM_005529.7 (MANE Select); coding-DNA position 12580, G replaced by A.
Protein change: p.Gly4194Arg; replaces glycine 4194 with arginine.
Molecular consequence: missense variant.
Genome position (GRCh38, 1-based): chr1:21,827,872, C>T on the plus strand (G>A on the coding strand, the complement: HSPG2 is on the minus strand). VCF-style: chr1-21827872-C-T. GRCh37 (hg19) VCF-style: chr1-22154365-C-T.
Other names: c.12583G>A, p.Gly4195Arg (NM_001291860.2); c.12580G>A (NM_005529.5); short protein forms G4194R, G4195R.
Identifiers: ClinVar variation 716798 (VCV000716798.17), dbSNP rs144496753, ClinGen allele CA669377.
Genomic context (GRCh38, chr1:21,827,872, plus strand): 5'-GGAAGAGTGAGCTGAGCTGAAGCTGGGGAGGAGGCCATGGCAAGTACTCACCATTGCCCC[C>T]GCTGCCTTCAAGATGCCAGTCGGACTCTGCTATGCCATGTCCAGAGCCTATGGAGAAGGG-3'
Protein context (NP_005520.4, residues 4184-4204): AESDWHLEGS[Gly4194Arg]GNDAPGQYGA